The following is an entry in ClinVar:

ClinVar aggregate classification (germline): Likely pathogenic (1 of 4 stars; one submission).

Conditions:
Nephronophthisis 18 (NPHP18). Identifiers: Orphanet 655, MedGen C3890591, MONDO:0014374, OMIM 615862.

Submission:

3billion
Classification: Likely pathogenic for Nephronophthisis 18. Last evaluated: 2025-02-10. Review status: criteria provided, single submitter. Criteria: ACMG Guidelines, 2015. Collection method: clinical testing. Allele origin: germline. Affected: yes.
Comment: The variant is not observed in the gnomAD v4.1.0 dataset. Predicted Consequence/Location: Stop-gained (nonsense): predicted to result in a loss or disruption of normal protein function through nonsense-mediated decay (NMD) or protein truncation. Multiple pathogenic variants are reported downstream of the variant. Therefore, this variant is classified as Likely pathogenic according to the recommendation of ACMG/AMP guideline.

NM_016122.3(CEP83):c.667A>T (p.Lys223Ter)

Gene: CEP83 (centrosomal protein 83; minus strand). Cytogenetic location: 12q22.
Variant type: single nucleotide variant.
Coding change: c.667A>T on transcript NM_016122.3 (MANE Select); coding-DNA position 667, A replaced by T.
Protein change: p.Lys223Ter; replaces lysine 223 with a stop codon.
Molecular consequence: nonsense. On other transcripts: non-coding transcript variant (3).
Genome position (GRCh38, 1-based): chr12:94,378,925, T>A on the plus strand (A>T on the coding strand, the complement: CEP83 is on the minus strand). VCF-style: chr12-94378925-T-A. GRCh37 (hg19) VCF-style: chr12-94772701-T-A.
Other names: c.667A>T, p.Lys223Ter (NM_001042399.2, NM_001346457.2, NM_001346460.2 and 3 more transcripts); c.355A>T, p.Lys119Ter (NM_001346458.2, NM_001346459.2, NM_001346462.2 and 2 more transcripts); c.442A>T, p.Lys148Ter (NM_001368041.1); c.130A>T, p.Lys44Ter (NM_001368042.1); short protein forms K119*, K148*, K223*, K44*.
Identifiers: ClinVar variation 4291753 (VCV004291753.1).